The following is an entry in ClinVar:

ClinVar aggregate classification (germline): Pathogenic (1 of 4 stars; one submission).

Conditions:
Familial cancer of breast. Also called: Hereditary breast cancer; hereditary breast carcinoma; BREAST CANCER, FAMILIAL. Identifiers: Orphanet 227535, MedGen C0346153, MONDO:0016419, OMIM 114480. Disease mechanism: loss of function.

Submission:

Labcorp Genetics (formerly Invitae), Labcorp
Classification: Pathogenic for Familial cancer of breast. Last evaluated: 2021-05-25. Review status: criteria provided, single submitter. Criteria: Invitae Variant Classification Sherloc (09022015). Collection method: clinical testing. Allele origin: germline.
Comment: For these reasons, this variant has been classified as Pathogenic. This variant has not been reported in the literature in individuals with PALB2-related conditions. This variant is not present in population databases (ExAC no frequency). This sequence change creates a premature translational stop signal (p.His276Thrfs*10) in the PALB2 gene. It is expected to result in an absent or disrupted protein product. Loss-of-function variants in PALB2 are known to be pathogenic (PMID: 17200668, 24136930, 25099575).

Literature cited by the submitters: PubMed 17200668; PubMed 24136930; PubMed 25099575.

NM_024675.4(PALB2):c.816_825dup (p.His276fs)

Gene: PALB2 (partner and localizer of BRCA2; minus strand). Cytogenetic location: 16p12.2.
Variant type: Duplication.
Coding change: c.816_825dup on transcript NM_024675.4 (MANE Select); coding-DNA positions 816 to 825, 10 bases duplicated (ACTTACTACT; older notation c.816_825dupACTTACTACT).
Protein change: p.His276fs; shifts the reading frame from histidine 276.
Molecular consequence: frameshift variant.
Genome position (GRCh38, 1-based): chr16:23,635,721-23,635,730, AGTAGTAAGT duplicated on the plus strand (ACTTACTACT on the coding strand, the reverse complement: PALB2 is on the minus strand). VCF-style (leftmost placement, unchanged base first): chr16-23635720-G-GAGTAGTAAGT. GRCh37 (hg19) VCF-style: chr16-23647041-G-GAGTAGTAAGT.
Other names: short protein forms H276fs.
Identifiers: ClinVar variation 1455941 (VCV001455941.7), dbSNP rs2142433539, ClinGen allele CA2573152203.
Genomic context (GRCh38, chr16:23,635,720, plus strand): 5'-TTTTTTTGCCTTGTGCCTCCAAACTTACAGGTGAAGTAAATCTAATGTTTTTTAGGTCGT[G>GAGTAGTAAGT]AGTAGTAAGTTCACTGCTACCTTTAGGAGGAATGTGTTCAAGGTGCTGACTACTACCGCT-3'